The following is an entry in ClinVar:

ClinVar aggregate classification (germline): Pathogenic (1 of 4 stars; one submission).

Conditions:
Peutz-Jeghers syndrome (PJS). Also called: POLYPOSIS, HAMARTOMATOUS INTESTINAL; POLYPS-AND-SPOTS SYNDROME; Peutz-Jeghers polyposis; Periorificial lentiginosis syndrome. Identifiers: Orphanet 2869, MedGen C0031269, MeSH D010580, MONDO:0008280, OMIM 175200.

Submission:

Labcorp Genetics (formerly Invitae), Labcorp
Classification: Pathogenic for Peutz-Jeghers syndrome. Last evaluated: 2017-06-28. Review status: criteria provided, single submitter. Criteria: Invitae Variant Classification Sherloc (09022015). Collection method: clinical testing. Allele origin: germline.
Comment: This sequence change creates a premature translational stop signal (p.Gly61Thrfs*4) in the STK11 gene. It is expected to result in an absent or disrupted protein product. This variant is not present in population databases (ExAC no frequency). This variant has not been reported in the literature in individuals with STK11-related disease. Loss-of-function variants in STK11 are known to be pathogenic (PMID: 15188174, 16287113). For these reasons, this variant has been classified as Pathogenic.

Literature cited by the submitters: PubMed 15188174; PubMed 16287113.

NM_000455.5(STK11):c.179_180dup (p.Gly61fs)

Gene: STK11 (serine/threonine kinase 11; plus strand). Cytogenetic location: 19p13.3.
Variant type: Duplication.
Coding change: c.179_180dup on transcript NM_000455.5 (MANE Select); coding-DNA positions 179 to 180, 2 bases duplicated (AC; older notation c.179_180dupAC).
Protein change: p.Gly61fs; shifts the reading frame from glycine 61.
Molecular consequence: frameshift variant.
Genome position (GRCh38, 1-based): chr19:1,207,092-1,207,093, AC duplicated. VCF-style (leftmost placement, unchanged base first): chr19-1207091-T-TAC. GRCh37 (hg19) VCF-style: chr19-1207090-T-TAC.
Other names: c.179_180dupAC (NM_000455.4); short protein forms G61fs.
Identifiers: ClinVar variation 458034 (VCV000458034.6), dbSNP rs1555735001, ClinGen allele CA658656742.
Genomic context (GRCh38, chr19:1,207,091, plus strand): 5'-CGCAAGCGGGCCAAGCTCATCGGCAAGTACCTGATGGGGGACCTGCTGGGGGAAGGCTCT[T>TAC]ACGGCAAGGTGAAGGAGGTGCTGGACTCGGAGACGCTGTGCAGGAGGGCCGTCAAGATCC-3'